The following is an entry in ClinVar:

ClinVar aggregate classification (germline): Uncertain significance (1 of 4 stars; one submission).

Submission:

Labcorp Genetics (formerly Invitae), Labcorp
Classification: Uncertain significance. Last evaluated: 2024-08-05. Review status: criteria provided, single submitter. Criteria: Invitae Variant Classification Sherloc (09022015). Collection method: clinical testing. Allele origin: germline.
Comment: This sequence change replaces glycine, which is neutral and non-polar, with cysteine, which is neutral and slightly polar, at codon 621 of the BCL11B protein (p.Gly621Cys). This variant is not present in population databases (gnomAD no frequency). This variant has not been reported in the literature in individuals affected with BCL11B-related conditions. Advanced modeling of protein sequence and biophysical properties (such as structural, functional, and spatial information, amino acid conservation, physicochemical variation, residue mobility, and thermodynamic stability) performed at Invitae indicates that this missense variant is not expected to disrupt BCL11B protein function with a negative predictive value of 80%. In summary, the available evidence is currently insufficient to determine the role of this variant in disease. Therefore, it has been classified as a Variant of Uncertain Significance.

NM_138576.4(BCL11B):c.1861G>T (p.Gly621Cys)

Gene: BCL11B (BCL11 transcription factor B; minus strand). Cytogenetic location: 14q32.2.
Variant type: single nucleotide variant.
Coding change: c.1861G>T on transcript NM_138576.4 (MANE Select); coding-DNA position 1861, G replaced by T.
Protein change: p.Gly621Cys; replaces glycine 621 with cysteine.
Molecular consequence: missense variant.
Genome position (GRCh38, 1-based): chr14:99,174,975, C>A on the plus strand (G>T on the coding strand, the complement: BCL11B is on the minus strand). VCF-style: chr14-99174975-C-A. GRCh37 (hg19) VCF-style: chr14-99641312-C-A.
Other names: c.1858G>T, p.Gly620Cys (NM_001282237.2); c.1645G>T, p.Gly549Cys (NM_001282238.2); c.1648G>T, p.Gly550Cys (NM_022898.3); short protein forms G549C, G550C, G620C, G621C.
Identifiers: ClinVar variation 2842179 (VCV002842179.3), dbSNP rs1409709245, ClinGen allele CA390934456.